The following is an entry in ClinVar:

ClinVar aggregate classification (germline): Uncertain significance. Review status: criteria provided, multiple submitters, no conflicts (2 of 4 stars). 2 submissions from 2 submitters: Uncertain significance (2). Last evaluated 2024-10-08.

Conditions:
Joubert syndrome. Also called: Familial aplasia of the vermis; JOUBERT-BOLTSHAUSER SYNDROME. Identifiers: Orphanet 475, MedGen C5979921, MONDO:0018772.
Orofaciodigital syndrome I (OFD1). Also called: Oral-Facial-Digital Syndrome Type I; OFDS I; Papillon-Leage and Psaume Syndrome. Identifiers: Orphanet 2750, MedGen C1510460, MONDO:0010702, OMIM 311200.

Submissions (2):

Labcorp Genetics (formerly Invitae), Labcorp
Classification: Uncertain significance for Orofaciodigital syndrome I; Joubert syndrome. Last evaluated: 2024-10-08. Review status: criteria provided, single submitter. Criteria: Invitae Variant Classification Sherloc (09022015). Collection method: clinical testing. Allele origin: germline.
Comment: This sequence change replaces isoleucine, which is neutral and non-polar, with valine, which is neutral and non-polar, at codon 420 of the OFD1 protein (p.Ile420Val). This variant is not present in population databases (gnomAD no frequency). This variant has not been reported in the literature in individuals affected with OFD1-related conditions. ClinVar contains an entry for this variant (Variation ID: 2104320). Invitae Evidence Modeling of protein sequence and biophysical properties (such as structural, functional, and spatial information, amino acid conservation, physicochemical variation, residue mobility, and thermodynamic stability) indicates that this missense variant is not expected to disrupt OFD1 protein function with a negative predictive value of 80%. In summary, the available evidence is currently insufficient to determine the role of this variant in disease. Therefore, it has been classified as a Variant of Uncertain Significance.

Blueprint Genetics
Classification: Uncertain significance. Last evaluated: 2024-08-22. Review status: criteria provided, single submitter. Criteria: ACMG Guidelines, 2015. Collection method: clinical testing. Allele origin: germline.

NM_003611.3(OFD1):c.1258A>G (p.Ile420Val)

Gene: OFD1 (OFD1 centriole and centriolar satellite protein; plus strand). Cytogenetic location: Xp22.2.
Variant type: single nucleotide variant.
Coding change: c.1258A>G on transcript NM_003611.3 (MANE Select); coding-DNA position 1258, A replaced by G.
Protein change: p.Ile420Val; replaces isoleucine 420 with valine.
Molecular consequence: missense variant.
Genome position (GRCh38, 1-based): chrX:13,756,614, A>G. VCF-style: chrX-13756614-A-G. GRCh37 (hg19) VCF-style: chrX-13774733-A-G.
Other names: c.1138A>G, p.Ile380Val (NM_001330209.2); c.838A>G, p.Ile280Val (NM_001330210.2); short protein forms I380V, I280V, I420V.
Identifiers: ClinVar variation 2104320 (VCV002104320.5), dbSNP rs2518910156, ClinGen allele CA412342563.